The following is an entry in ClinVar:

NM_020919.4(ALS2):c.1998+4A>G

Gene: ALS2 (alsin Rho guanine nucleotide exchange factor ALS2; minus strand). Cytogenetic location: 2q33.1.
Variant type: single nucleotide variant.
Coding change: c.1998+4A>G on transcript NM_020919.4 (MANE Select); 4 bases into the intron after coding-DNA position 1998, A replaced by G.
Molecular consequence: intron variant.
Genome position (GRCh38, 1-based): chr2:201,746,562, T>C on the plus strand (A>G on the coding strand, the complement: ALS2 is on the minus strand). VCF-style: chr2-201746562-T-C. GRCh37 (hg19) VCF-style: chr2-202611285-T-C.
Identifiers: ClinVar variation 644447 (VCV000644447.6), dbSNP rs773142036, ClinGen allele CA915942300.

ClinVar aggregate classification (germline): Uncertain significance (1 of 4 stars; one submission).

Conditions:
Infantile-onset ascending hereditary spastic paralysis (IAHSP). Also called: Autosomal Recessive Juvenile Amyotrophic Lateral Sclerosis; Infantile-Onset Ascending Hereditary Spastic Paralysis (IAHSP). Identifiers: Orphanet 293168, MedGen C2931441, MONDO:0011797, OMIM 607225. Disease mechanism: loss of function.

Submission:

Labcorp Genetics (formerly Invitae), Labcorp
Classification: Uncertain significance for Infantile-onset ascending hereditary spastic paralysis. Last evaluated: 2022-08-09. Review status: criteria provided, single submitter. Criteria: Invitae Variant Classification Sherloc (09022015). Collection method: clinical testing. Allele origin: germline.
Comment: Variants that disrupt the consensus splice site are a relatively common cause of aberrant splicing (PMID: 17576681, 9536098). Algorithms developed to predict the effect of sequence changes on RNA splicing suggest that this variant may disrupt the consensus splice site. This sequence change falls in intron 9 of the ALS2 gene. It does not directly change the encoded amino acid sequence of the ALS2 protein. It affects a nucleotide within the consensus splice site. This variant is not present in population databases (gnomAD no frequency). This variant has not been reported in the literature in individuals affected with ALS2-related conditions. ClinVar contains an entry for this variant (Variation ID: 644447). In summary, the available evidence is currently insufficient to determine the role of this variant in disease. Therefore, it has been classified as a Variant of Uncertain Significance.

Literature cited by the submitters: PubMed 17576681; PubMed 9536098.